The following is an entry in ClinVar:

NM_000130.5(F5):c.5403dup (p.Ser1802fs)

Gene: F5 (coagulation factor V; minus strand). Cytogenetic location: 1q24.2.
Variant type: Duplication.
Coding change: c.5403dup on transcript NM_000130.5 (MANE Select); coding-DNA position 5403, one base duplicated (A; older notation c.5403dupA).
Protein change: p.Ser1802fs; shifts the reading frame from serine 1802.
Molecular consequence: frameshift variant.
Genome position (GRCh38, 1-based): chr1:169,529,624, T duplicated on the plus strand (A on the coding strand, the reverse complement: F5 is on the minus strand); the first of 6 consecutive T bases (chr1:169,529,624-169,529,629); duplicating any one gives the same sequence. VCF-style (leftmost placement, unchanged base first): chr1-169529623-A-AT. GRCh37 (hg19) VCF-style: chr1-169498861-A-AT.
Other names: c.5403dupA (NM_000130.4); short protein forms S1802fs.
Identifiers: ClinVar variation 524063 (VCV000524063.4), dbSNP rs757917115, ClinGen allele CA1233514.
Genomic context (GRCh38, chr1:169,529,623, plus strand): 5'-AGTGTGATTTAATTAGGAGATTAGATCAAAGTCTGAGGAAAATACCGTGAAACTCATGGG[A>AT]TTTTTTCATTTCTGAGGATGTGAGTCTCCAAGAACTTCGGGACTTCTTTTCATAGTACCA-3'

ClinVar aggregate classification (germline): Pathogenic/Likely pathogenic. Review status: criteria provided, multiple submitters, no conflicts (2 of 4 stars). 2 submissions from 2 submitters: Pathogenic (1); Likely pathogenic (1). Last evaluated 2024-10-15.

Conditions:
Congenital factor V deficiency. Also called: Hereditary factor V deficiency disease; LABILE FACTOR DEFICIENCY; OWREN PARAHEMOPHILIA; PARAHEMOPHILIA. Identifiers: Orphanet 326, MedGen C0015499, MONDO:0009210, OMIM 227400.

Submissions (2):

Labcorp Genetics (formerly Invitae), Labcorp
Classification: Pathogenic for Congenital factor V deficiency. Last evaluated: 2024-10-15. Review status: criteria provided, single submitter. Criteria: Invitae Variant Classification Sherloc (09022015). Collection method: clinical testing. Allele origin: germline.
Comment: This sequence change creates a premature translational stop signal (p.Ser1802Ilefs*3) in the F5 gene. It is expected to result in an absent or disrupted protein product. Loss-of-function variants in F5 are known to be pathogenic (PMID: 30924984). This variant is present in population databases (rs757917115, gnomAD 0.002%). This variant has not been reported in the literature in individuals affected with F5-related conditions. ClinVar contains an entry for this variant (Variation ID: 524063). Algorithms developed to predict the effect of sequence changes on RNA splicing suggest that this variant may disrupt the consensus splice site. For these reasons, this variant has been classified as Pathogenic.

GeneDx
Classification: Likely pathogenic. Last evaluated: 2018-03-28. Review status: criteria provided, single submitter. Criteria: GeneDx Variant Classification (06012015). Collection method: clinical testing. Allele origin: germline. Affected: yes.
Comment: The c.5403dupA variant in the F5 gene has not been reported previously as a pathogenic variant nor as a benign variant, to our knowledge. The c.5403dupA variant causes a frameshift starting with codon Serine 1802, changes this amino acid to an Isoleucine residue, and creates a premature Stop codon at position 3 of the new reading frame, denoted p.Ser1802IlefsX3. This variant is predicted to cause loss of normal protein function either through protein truncation or nonsense-mediated mRNA decay. The c.5403dupA variant is not observed at a significant frequency in large population cohorts (Lek et al., 2016). We interpret c.5403dupA as a likely pathogenic variant.

Literature cited by the submitters: PubMed 30924984 (cited by Labcorp Genetics (formerly Invitae), Labcorp).